The following is an entry in ClinVar:

NM_001387274.1(DCDC1):c.247G>A (p.Val83Met)

Gene: DCDC1 (doublecortin domain containing 1; minus strand). Cytogenetic location: 11p13.
Variant type: single nucleotide variant.
Coding change: c.247G>A on transcript NM_001387274.1 (MANE Select); coding-DNA position 247, G replaced by A.
Protein change: p.Val83Met; replaces valine 83 with methionine.
Molecular consequence: missense variant. On other transcripts: non-coding transcript variant (1).
Genome position (GRCh38, 1-based): chr11:31,307,826, C>T on the plus strand (G>A on the coding strand, the complement: DCDC1 is on the minus strand). VCF-style: chr11-31307826-C-T. GRCh37 (hg19) VCF-style: chr11-31329373-C-T.
Other names: c.247G>A (NM_181807.3); c.247G>A, p.Val83Met (NM_001367979.1, NM_181807.4); short protein forms V83M.
Identifiers: ClinVar variation 813015 (VCV000813015.10), dbSNP rs2761591, ClinGen allele CA5932696.

ClinVar aggregate classification (germline): Benign. Review status: criteria provided, multiple submitters, no conflicts (2 of 4 stars). 4 submissions from 4 submitters: Benign (2). 2 of the submissions do not count toward it. Last evaluated 2026-01-27.

Conditions:
DCDC1-related disorder. Also called: DCDC1-related condition.
Head and neck cancer. Identifiers: MedGen C0278996, MONDO:0005627.

Allele frequency attached by ClinVar (database versions not stated): ESP Exome Variant Server 0.10406; 1000 Genomes Project 0.11022; TOPMed 0.11689; 1000 Genomes Project 30x 0.11993; gnomAD exomes 0.01604; gnomAD 0.09230.
gnomAD v4.1: 38,951 of 1,613,944 alleles (2.4%); highest among the groups gnomAD compares: African/African-American, 30%; 4,512 homozygotes.

Submissions (4):

Labcorp Genetics (formerly Invitae), Labcorp
Classification: Benign. Last evaluated: 2026-01-27. Review status: criteria provided, single submitter. Criteria: Invitae Variant Classification Sherloc (09022015). Collection method: clinical testing. Allele origin: germline.

Breakthrough Genomics
Classification: Benign. Review status: criteria provided, single submitter. Criteria: ACMG Guidelines, 2015. Collection method: not provided. Allele origin: germline. Inheritance: Unknown mechanism. Affected: yes.

PreventionGenetics, part of Exact Sciences
Classification: Benign for DCDC1-related condition. Last evaluated: 2019-11-04. Review status: no assertion criteria provided. Collection method: clinical testing. Allele origin: germline. Not counted in ClinVar's aggregate classification.
Comment: This variant is classified as benign based on ACMG/AMP sequence variant interpretation guidelines (Richards et al. 2015 PMID: 25741868, with internal and published modifications).

Jiangsu Key Laboratory of Oral Diseases, Nanjing Medical University
Classification: Uncertain significance for HNSCC. Last evaluated: 2019-06-10. Review status: no assertion criteria provided. Collection method: research. Allele origin: germline. Affected: yes. Not counted in ClinVar's aggregate classification.

Literature cited by the submitters: PubMed 32266149 (cited by Jiangsu Key Laboratory of Oral Diseases, Nanjing Medical University).